The following is an entry in ClinVar:

NC_000009.12:g.35657824A>G

Gene: RMRP (RNA component of mitochondrial RNA processing endoribonuclease; minus strand). Cytogenetic location: 9p13.3.
Variant type: single nucleotide variant.
Genome position: GRCh38 VCF-style: chr9-35657824-A-G. GRCh37 (hg19) VCF-style: chr9-35657821-A-G.
Identifiers: ClinVar variation 971997 (VCV000971997.6), dbSNP rs1343590034, ClinGen allele CA464450587.
Genomic context (GRCh38, chr9:35,657,824, plus strand): 5'-GAATGAGCCCCGTGTGGTTGGTGCGCGGACACGCACTGCCTGCGTAACTAGAGGGAGCTG[A>G]CGGATGACGCCCCCGCGCCACGCCGCTCAGCGGGATACGCTTCTTGGCGGACTTTGGAGT-3'

ClinVar aggregate classification (germline): Uncertain significance (1 of 4 stars; one submission).

Conditions:
Anauxetic dysplasia. Identifiers: Orphanet 93347, MedGen C1846796, MONDO:0011773.

Allele frequency attached by ClinVar (database versions not stated): TOPMed below 0.00001; gnomAD exomes 0.00001.
gnomAD v4.1: 1 of 692,864 alleles (0.00014%); highest among the groups gnomAD compares: African/African-American, 0.002%; no homozygotes.

Submission:

Labcorp Genetics (formerly Invitae), Labcorp
Classification: Uncertain significance for Anauxetic dysplasia. Last evaluated: 2021-08-20. Review status: criteria provided, single submitter. Criteria: Invitae Variant Classification Sherloc (09022015). Collection method: clinical testing. Allele origin: germline.
Comment: This variant occurs in the RMRP gene, which encodes an RNA molecule that does not result in a protein product. The frequency data for this variant in the population databases is considered unreliable, as metrics indicate insufficient coverage at this position in the ExAC database. This variant has not been reported in the literature in individuals affected with RMRP-related conditions. Experimental studies and prediction algorithms are not available or were not evaluated, and the functional significance of this variant is currently unknown. In summary, the available evidence is currently insufficient to determine the role of this variant in disease. Therefore, it has been classified as a Variant of Uncertain Significance.